The following is an entry in ClinVar:

ClinVar aggregate classification (germline): Likely benign. Review status: criteria provided, single submitter (1 of 4 stars). 2 submissions from 2 submitters: Likely benign (1). 1 of the submissions does not count toward it. Last evaluated 2024-11-20.

Conditions:
TRPM3-related disorder. Also called: TRPM3-related condition.

Allele frequency attached by ClinVar (database versions not stated): ExAC 0.00127; gnomAD 0.00331; TOPMed 0.00368; ESP Exome Variant Server 0.00400; 1000 Genomes Project 30x 0.00609; 1000 Genomes Project 0.00639.
gnomAD v4.1: 1,097 of 1,614,028 alleles (0.068%); highest among the groups gnomAD compares: African/African-American, 1.2%; 7 homozygotes.

Submissions (2):

Blueprint Genetics
Classification: Likely benign. Last evaluated: 2024-11-20. Review status: criteria provided, single submitter. Criteria: ACMG Guidelines, 2015. Collection method: clinical testing. Allele origin: germline.

PreventionGenetics, part of Exact Sciences
Classification: Benign for TRPM3-related condition. Last evaluated: 2019-09-30. Review status: no assertion criteria provided. Collection method: clinical testing. Allele origin: germline. Not counted in ClinVar's aggregate classification.
Comment: This variant is classified as benign based on ACMG/AMP sequence variant interpretation guidelines (Richards et al. 2015 PMID: 25741868, with internal and published modifications).

NM_001366145.2(TRPM3):c.3306G>A (p.Pro1102=)

Gene: TRPM3 (transient receptor potential cation channel subfamily M member 3; minus strand). Cytogenetic location: 9q21.12.
Variant type: single nucleotide variant.
Coding change: c.3306G>A on transcript NM_001366145.2 (MANE Select); coding-DNA position 3306, G replaced by A.
Protein change: p.Pro1102=; no amino-acid change (proline 1102 retained).
Molecular consequence: synonymous variant.
Genome position (GRCh38, 1-based): chr9:70,553,228, C>T on the plus strand (G>A on the coding strand, the complement: TRPM3 is on the minus strand). VCF-style: chr9-70553228-C-T. GRCh37 (hg19) VCF-style: chr9-73168144-C-T.
Other names: c.3270G>A, p.Pro1090= (NM_001007471.4, NM_001366151.2); c.3276G>A, p.Pro1092= (NM_001366141.2, NM_001366143.2, NM_001366149.2); c.3312G>A, p.Pro1104= (NM_001366142.2); c.3306G>A, p.Pro1102= (NM_001366146.2); c.3381G>A, p.Pro1127= (NM_001366147.2, NM_001366152.2); c.3351G>A, p.Pro1117= (NM_001366148.2); c.3240G>A, p.Pro1080= (NM_001366150.2); c.2847G>A, p.Pro949= (NM_001366154.2, NM_024971.7); and 5 more.
Identifiers: ClinVar variation 3049707 (VCV003049707.3), dbSNP rs143219293, ClinGen allele CA5078086.